The following is an entry in ClinVar:

ClinVar aggregate classification (germline): Likely benign. Review status: criteria provided, single submitter (1 of 4 stars). 2 submissions from 2 submitters: Likely benign (1). 1 of the submissions does not count toward it. Last evaluated 2025-12-26.

Conditions:
CRB2-related disorder. Also called: CRB2-related condition; CRB2-related disorders.

Allele frequency attached by ClinVar (database versions not stated): gnomAD exomes 0.00001; ExAC 0.00002; TOPMed 0.00005.
gnomAD v4.1: 30 of 1,609,542 alleles (0.0019%); highest among the groups gnomAD compares: Admixed American, 0.0067%; no homozygotes.

Submissions (2):

Labcorp Genetics (formerly Invitae), Labcorp
Classification: Likely benign. Last evaluated: 2025-12-26. Review status: criteria provided, single submitter. Criteria: Invitae Variant Classification Sherloc (09022015). Collection method: clinical testing. Allele origin: germline.

PreventionGenetics, part of Exact Sciences
Classification: Likely benign for CRB2-related condition. Last evaluated: 2020-11-27. Review status: no assertion criteria provided. Collection method: clinical testing. Allele origin: germline. Not counted in ClinVar's aggregate classification.
Comment: This variant is classified as likely benign based on ACMG/AMP sequence variant interpretation guidelines (Richards et al. 2015 PMID: 25741868, with internal and published modifications).

NM_173689.7(CRB2):c.2262C>T (p.Ala754=)

Gene: CRB2 (crumbs cell polarity complex component 2; plus strand). Cytogenetic location: 9q33.3.
Variant type: single nucleotide variant.
Coding change: c.2262C>T on transcript NM_173689.7 (MANE Select); coding-DNA position 2262, C replaced by T.
Protein change: p.Ala754=; no amino-acid change (alanine 754 retained).
Molecular consequence: synonymous variant. On other transcripts: non-coding transcript variant (1).
Genome position (GRCh38, 1-based): chr9:123,371,404, C>T. VCF-style: chr9-123371404-C-T. GRCh37 (hg19) VCF-style: chr9-126133683-C-T.
Other names: c.2262C>T (NM_173689.6).
Identifiers: ClinVar variation 1989207 (VCV001989207.5), dbSNP rs780182853, ClinGen allele CA5232160.
Genomic context (GRCh38, chr9:123,371,404, plus strand): 5'-GCCTGACCAGCTGCAGGACCTGGGGCAGCACGTGCACGTGGGTGGGAGGCTCCTTGCTGC[C>T]GACAGCCAGCCCTGGGGTGGGCCCTTCCGAGGCTGCCTCCAGGACCTGCGACTCGATGGC-3'
Protein context (NP_775960.4, residues 744-764): HVHVGGRLLA[Ala754=]DSQPWGGPFR